The following is an entry in ClinVar:

NM_144991.3(TSPEAR):c.1352_1357del (p.Ile451_Asp452del)

Gene: TSPEAR (thrombospondin type laminin G domain and EAR repeats; minus strand). Cytogenetic location: 21q22.3.
Variant type: Deletion.
Coding change: c.1352_1357del on transcript NM_144991.3 (MANE Select); coding-DNA positions 1352 to 1357, 6 bases deleted (TCGACA; older notation c.1352_1357delTCGACA).
Protein change: p.Ile451_Asp452del.
Genome position (GRCh38, 1-based): chr21:44,522,092-44,522,097, TGTCGA deleted on the plus strand (TCGACA on the coding strand, the reverse complement: TSPEAR is on the minus strand); deleting any 6 consecutive bases within chr21:44,522,092-44,522,100 gives the same sequence; the c. name uses the placement nearest the transcript's 3' end. VCF-style (leftmost placement, unchanged base first): chr21-44522091-CTGTCGA-C. GRCh37 (hg19) VCF-style: chr21-45941974-CTGTCGA-C.
Other names: c.1148_1153del, p.Ile383_Asp384del (NM_001272037.2).
Identifiers: ClinVar variation 3729558 (VCV003729558.2).
Genomic context (GRCh38, chr21:44,522,091, plus strand): 5'-GTGGCGATGGTCTGGTTGGCCTCGAAGAGCCGGGTTGCCGGGTTCCACTTGTAGATGACA[CTGTCGA>C]TGTTGTGGTTGTCGCCTGGAACCAAGGGACTGTGCTGGGGGCAGGGAGGCAGATTCCACA-3'

ClinVar aggregate classification (germline): Uncertain significance (1 of 4 stars; one submission).

Submission:

Labcorp Genetics (formerly Invitae), Labcorp
Classification: Uncertain significance. Last evaluated: 2025-03-05. Review status: criteria provided, single submitter. Criteria: Invitae Variant Classification Sherloc (09022015). Collection method: clinical testing. Allele origin: germline.
Comment: This variant, c.1352_1357del, results in the deletion of 2 amino acid(s) of the TSPEAR protein (p.Ile451_Asp452del), but otherwise preserves the integrity of the reading frame. This variant is not present in population databases (gnomAD no frequency). This variant has been observed in individual(s) with clinical features of ectodermal dysplasia (internal data). In at least one individual the data is consistent with being in trans (on the opposite chromosome) from a pathogenic variant. Experimental studies and prediction algorithms are not available or were not evaluated, and the functional significance of this variant is currently unknown. In summary, the available evidence is currently insufficient to determine the role of this variant in disease. Therefore, it has been classified as a Variant of Uncertain Significance.